The following is an entry in ClinVar:

ClinVar aggregate classification (germline): Uncertain significance (1 of 4 stars; one submission).

Submission:

Labcorp Genetics (formerly Invitae), Labcorp
Classification: Uncertain significance. Last evaluated: 2025-05-07. Review status: criteria provided, single submitter. Criteria: Invitae Variant Classification Sherloc (09022015). Collection method: clinical testing. Allele origin: germline.
Comment: This sequence change creates a premature translational stop signal (p.Lys598*) in the NFE2L2 gene. While this is not anticipated to result in nonsense mediated decay, it is expected to disrupt the last 8 amino acid(s) of the NFE2L2 protein. This variant is not present in population databases (gnomAD no frequency). This variant has not been reported in the literature in individuals affected with NFE2L2-related conditions. Experimental studies and prediction algorithms are not available or were not evaluated, and the functional significance of this variant is currently unknown. In summary, the available evidence is currently insufficient to determine the role of this variant in disease. Therefore, it has been classified as a Variant of Uncertain Significance.

NM_006164.5(NFE2L2):c.1791dup (p.Lys598Ter)

Gene: NFE2L2 (NFE2 like bZIP transcription factor 2; minus strand). Cytogenetic location: 2q31.2.
Variant type: Duplication.
Coding change: c.1791dup on transcript NM_006164.5 (MANE Select); coding-DNA position 1791, one base duplicated (T; older notation c.1791dupT).
Protein change: p.Lys598Ter; replaces lysine 598 with a stop codon.
Molecular consequence: nonsense.
Genome position (GRCh38, 1-based): chr2:177,230,812, A duplicated on the plus strand (T on the coding strand, the reverse complement: NFE2L2 is on the minus strand). VCF-style (leftmost placement, unchanged base first): chr2-177230811-T-TA. GRCh37 (hg19) VCF-style: chr2-178095539-T-TA.
Other names: c.1743dup, p.Lys582Ter (NM_001145412.3, NM_001313900.1, NM_001313901.1); c.1722dup, p.Lys575Ter (NM_001145413.3); c.1701dup, p.Lys568Ter (NM_001313902.2); c.1572dup, p.Lys525Ter (NM_001313903.2); c.1491dup, p.Lys498Ter (NM_001313904.1); short protein forms K498*, K525*, K568*, K575*, K582*, K598*.
Identifiers: ClinVar variation 4807680 (VCV004807680.1).
Genomic context (GRCh38, chr2:177,230,811, plus strand): 5'-AAACTAGCTCAGAAAAGGTCAAATCCTCCTAAATCTAGTTTTTCTTAACATCTGGCTTCT[T>TA]ACTTTTGGGAACAAGGAAAACATTGCCATCTCTTGTTTGCTGCAGGGAGTATTCACTAGG-3'